The following is an entry in ClinVar:

NC_000003.11:g.(?_48895143)_(49213234_?)del

Genes: ARIH2 (ariadne RBR E3 ubiquitin protein ligase 2; plus strand), ARIH2OS (ARIH2 opposite strand lncRNA; minus strand), CCDC71 (coiled-coil domain containing 71; minus strand), DALRD3 (DALR anticodon binding domain containing 3; minus strand), IMPDH2 (inosine monophosphate dehydrogenase 2; minus strand) and 10 more. Cytogenetic location: 3p21.31.
Variant type: Deletion.
Identifiers: ClinVar variation 3246860 (VCV003246860.1).

ClinVar aggregate classification (germline): Pathogenic (1 of 4 stars; one submission).

Conditions:
Carnitine acylcarnitine translocase deficiency (CACTD). Identifiers: Orphanet 159, MedGen C0342791, MONDO:0008918, OMIM 212138.

Submission:

Labcorp Genetics (formerly Invitae), Labcorp
Classification: Pathogenic for Carnitine acylcarnitine translocase deficiency. Last evaluated: 2023-08-17. Review status: criteria provided, single submitter. Criteria: Invitae Variant Classification Sherloc (09022015). Collection method: clinical testing. Allele origin: unknown.
Comment: This variant has not been reported in the literature in individuals affected with SLC25A20-related conditions. A gross deletion of the genomic region encompassing the full coding sequence of the SLC25A20 gene has been identified. Loss-of-function variants in SLC25A20 are known to be pathogenic (PMID: 25614308). The boundaries of this event are unknown as they extend beyond the assayed region for this gene and therefore may encompass additional genes. For these reasons, this variant has been classified as Pathogenic.

Literature cited by the submitters: PubMed 25614308.